The following is an entry in ClinVar:

NM_032578.4(MYPN):c.680C>A (p.Ala227Asp)

Gene: MYPN (myopalladin; plus strand). Cytogenetic location: 10q21.3.
Variant type: single nucleotide variant.
Coding change: c.680C>A on transcript NM_032578.4 (MANE Select); coding-DNA position 680, C replaced by A.
Protein change: p.Ala227Asp; replaces alanine 227 with aspartic acid.
Molecular consequence: missense variant. On other transcripts: 5 prime UTR variant (1), non-coding transcript variant (1).
Genome position (GRCh38, 1-based): chr10:68,122,118, C>A. VCF-style: chr10-68122118-C-A. GRCh37 (hg19) VCF-style: chr10-69881875-C-A.
Other names: c.680C>A, p.Ala227Asp (NM_001256267.2); c.-443C>A (NM_001256268.2); short protein forms A227D.
Identifiers: ClinVar variation 1484865 (VCV001484865.6), dbSNP rs148874991, ClinGen allele CA377104891.

ClinVar aggregate classification (germline): Uncertain significance (1 of 4 stars; one submission).

Conditions:
Dilated cardiomyopathy 1KK (CMD1KK). Identifiers: Orphanet 154, Orphanet 75249, MedGen C3714995, MONDO:0014100, OMIM 615248.

Allele frequency attached by ClinVar (database versions not stated): gnomAD exomes below 0.00001.
gnomAD v4.1: 1 of 1,614,092 alleles (0.000062%); highest among the groups gnomAD compares: Non-Finnish European, 0.000085%; no homozygotes.

Submission:

Labcorp Genetics (formerly Invitae), Labcorp
Classification: Uncertain significance for Dilated cardiomyopathy 1KK. Last evaluated: 2021-08-02. Review status: criteria provided, single submitter. Criteria: Invitae Variant Classification Sherloc (09022015). Collection method: clinical testing. Allele origin: germline.
Comment: This sequence change replaces alanine with aspartic acid at codon 227 of the MYPN protein (p.Ala227Asp). The alanine residue is moderately conserved and there is a moderate physicochemical difference between alanine and aspartic acid. This variant is not present in population databases (ExAC no frequency). In summary, the available evidence is currently insufficient to determine the role of this variant in disease. Therefore, it has been classified as a Variant of Uncertain Significance. Algorithms developed to predict the effect of missense changes on protein structure and function (SIFT, PolyPhen-2, Align-GVGD) all suggest that this variant is likely to be tolerated. This variant has not been reported in the literature in individuals affected with MYPN-related conditions.